The following is an entry in ClinVar:

NM_001267550.2(TTN):c.106223C>A (p.Thr35408Asn)

Genes: TTN (titin; minus strand), TTN-AS1 (TTN antisense RNA 1; plus strand). Cytogenetic location: 2q31.2.
Variant type: single nucleotide variant.
Coding change: c.106223C>A on transcript NM_001267550.2 (MANE Select); coding-DNA position 106223, C replaced by A.
Protein change: p.Thr35408Asn; replaces threonine 35408 with asparagine.
Molecular consequence: missense variant.
Genome position (GRCh38, 1-based): chr2:178,530,392, G>T on the plus strand (C>A on the coding strand, the complement: TTN is on the minus strand). VCF-style: chr2-178530392-G-T. GRCh37 (hg19) VCF-style: chr2-179395119-G-T.
Other names: c.101300C>A, p.Thr33767Asn (NM_001256850.1); c.79028C>A, p.Thr26343Asn (NM_003319.4); c.98519C>A, p.Thr32840Asn (NM_133378.4); c.79403C>A, p.Thr26468Asn (NM_133432.3); c.79604C>A, p.Thr26535Asn (NM_133437.4); short protein forms T26468N, T33767N, T35408N, T26343N, T26535N, T32840N.
Identifiers: ClinVar variation 933648 (VCV000933648.8), dbSNP rs1688573613, ClinGen allele CA349406544.

ClinVar aggregate classification (germline): Uncertain significance (1 of 4 stars; one submission).

Conditions:
Dilated cardiomyopathy 1G (CMD1G). Identifiers: Orphanet 154, MedGen C1858763, MONDO:0011400, OMIM 604145.
Autosomal recessive limb-girdle muscular dystrophy type 2J (LGMDR10). Also called: Limb-girdle muscular dystrophy, type 2J; MUSCULAR DYSTROPHY, LIMB-GIRDLE, AUTOSOMAL RECESSIVE 10. Identifiers: Orphanet 140922, MedGen C1837342, MONDO:0012127, OMIM 608807.

Submission:

Labcorp Genetics (formerly Invitae), Labcorp
Classification: Uncertain significance for Dilated cardiomyopathy 1G; Autosomal recessive limb-girdle muscular dystrophy type 2J. Last evaluated: 2019-08-28. Review status: criteria provided, single submitter. Criteria: Invitae Variant Classification Sherloc (09022015). Collection method: clinical testing. Allele origin: germline.
Comment: This variant is located in the M band of TTN (PMID: 25589632). Variants in this region may be relevant for neuromuscular disorders, but have not been definitively shown to cause cardiomyopathy (PMID: 23975875). Algorithms developed to predict the effect of missense changes on protein structure and function are unavailable for the TTN gene. In summary, the available evidence is currently insufficient to determine the role of this variant in disease. Therefore, it has been classified as a Variant of Uncertain Significance. This variant has not been reported in the literature in individuals with TTN-related conditions. This variant is not present in population databases (ExAC no frequency). This sequence change replaces threonine with asparagine at codon 35408 of the TTN protein (p.Thr35408Asn). There is a small physicochemical difference between threonine and asparagine.

Literature cited by the submitters: PubMed 25589632; PubMed 23975875.